The following is an entry in ClinVar:

ClinVar aggregate classification (germline): Likely benign (0 of 4 stars; one submission).

Conditions:
TRIO-related disorder. Also called: TRIO-related disorders; TRIO-related condition.

Submission:

PreventionGenetics, part of Exact Sciences
Classification: Likely benign for TRIO-related condition. Last evaluated: 2022-04-08. Review status: no assertion criteria provided. Collection method: clinical testing. Allele origin: germline.
Comment: This variant is classified as likely benign based on ACMG/AMP sequence variant interpretation guidelines (Richards et al. 2015 PMID: 25741868, with internal and published modifications).

NM_007118.4(TRIO):c.6922_6924dup (p.Ser2308_Gly2309insSer)

Gene: TRIO (trio Rho guanine nucleotide exchange factor; plus strand). Cytogenetic location: 5p15.2.
Variant type: Duplication.
Coding change: c.6922_6924dup on transcript NM_007118.4 (MANE Select); coding-DNA positions 6922 to 6924, 3 bases duplicated (AGC; older notation c.6922_6924dupAGC).
Protein change: p.Ser2308_Gly2309insSer.
Molecular consequence: non-coding transcript variant (on NR_134469.2).
Genome position (GRCh38, 1-based): chr5:14,487,550-14,487,552, AGC duplicated; duplicating any 3 consecutive bases within chr5:14,487,548-14,487,552 gives the same sequence; the c. name uses the placement nearest the transcript's 3' end. VCF-style (leftmost placement, unchanged base first): chr5-14487547-G-GGCA. GRCh37 (hg19) VCF-style: chr5-14487656-G-GGCA.
Identifiers: ClinVar variation 3034211 (VCV003034211.2), dbSNP rs899466808, ClinGen allele CA558340822.